The following is an entry in ClinVar:

ClinVar aggregate classification (germline): Uncertain significance (1 of 4 stars; one submission).

Submission:

GeneDx
Classification: Uncertain significance. Last evaluated: 2022-11-08. Review status: criteria provided, single submitter. Criteria: GeneDx Variant Classification Process June 2021. Collection method: clinical testing. Allele origin: germline. Affected: yes.
Comment: Nonsense variant predicted to result in protein truncation or nonsense mediated decay in a gene or region of a gene for which loss of function is not a well-established mechanism of disease; Not observed at significant frequency in large population cohorts (gnomAD); Has not been previously published as pathogenic or benign to our knowledge

NM_003070.5(SMARCA2):c.1608T>A (p.Tyr536Ter)

Gene: SMARCA2 (SWI/SNF related BAF chromatin remodeling complex subunit ATPase 2; plus strand). Cytogenetic location: 9p24.3.
Variant type: single nucleotide variant.
Coding change: c.1608T>A on transcript NM_003070.5 (MANE Select); coding-DNA position 1608, T replaced by A.
Protein change: p.Tyr536Ter; replaces tyrosine 536 with a stop codon.
Molecular consequence: nonsense.
Genome position (GRCh38, 1-based): chr9:2,060,902, T>A. VCF-style: chr9-2060902-T-A. GRCh37 (hg19) VCF-style: chr9-2060902-T-A.
Other names: c.1608T>A, p.Tyr536Ter (NM_001289396.2, NM_001289397.2, NM_139045.4); short protein forms Y536*.
Identifiers: ClinVar variation 2501406 (VCV002501406.1), dbSNP rs1410667744, ClinGen allele CA372782573.